The following is an entry in ClinVar:

NM_002060.3(GJA4):c.469G>A (p.Ala157Thr)

Gene: GJA4 (gap junction protein alpha 4; plus strand). Cytogenetic location: 1p34.3.
Variant type: single nucleotide variant.
Coding change: c.469G>A on transcript NM_002060.3 (MANE Select); coding-DNA position 469, G replaced by A.
Protein change: p.Ala157Thr; replaces alanine 157 with threonine.
Molecular consequence: missense variant.
Genome position (GRCh38, 1-based): chr1:34,794,682, G>A. VCF-style: chr1-34794682-G-A. GRCh37 (hg19) VCF-style: chr1-35260283-G-A.
Other names: short protein forms A157T.
Identifiers: ClinVar variation 3237385 (VCV003237385.1), dbSNP rs777214569.

ClinVar aggregate classification (germline): Uncertain significance (1 of 4 stars; one submission).

Allele frequency attached by ClinVar (database versions not stated): gnomAD 0.00003; TOPMed 0.00005.

Submission:

Clinical Genomics Laboratory, Washington University in St. Louis
Classification: Uncertain significance. Last evaluated: 2024-01-23. Review status: criteria provided, single submitter. Criteria: ACMG Guidelines, 2015. Collection method: clinical testing. Allele origin: germline.
Comment: The GJA4 c.469G>A (p.Ala157Thr) variant was identified at a near heterozygous allele fraction of 41%, a frequency which may be consistent with it being of germline origin. Computational predictors are uncertain as to the impact of this variant on GJA4 function. This variant is observed in 73/1,611,396 alleles in the general population (gnomAD v4.0.0). Due to limited information, and based on ACMG/AMP guidelines for variant interpretation (Richards S et al., PMID: 25741868), the clinical significance of the GJA4 c.469G>A (p.Ala157Thr) variant is uncertain at this time.